The following is an entry in ClinVar:

ClinVar aggregate classification (germline): Uncertain significance. Review status: criteria provided, multiple submitters, no conflicts (2 of 4 stars). 3 submissions from 3 submitters: Uncertain significance (3). Last evaluated 2025-04-09.

Conditions:
Leukocyte adhesion deficiency 3. Also called: INTEGRIN ACTIVATION DEFICIENCY DISEASE; LEUKOCYTE ADHESION DEFICIENCY 1 VARIANT; Leukocyte adhesion deficiency, type III. Identifiers: Orphanet 2968, Orphanet 99844, MedGen C2748536, MONDO:0013016, OMIM 612840.
Inborn genetic diseases. Identifiers: MedGen C0950123, MeSH D030342.

Allele frequency attached by ClinVar (database versions not stated): gnomAD exomes 0.00004 and 0.00005; TOPMed 0.00004; gnomAD 0.00005; ExAC 0.00006.
gnomAD v4.1: 63 of 1,613,888 alleles (0.0039%); highest among the groups gnomAD compares: East Asian, 0.027%; no homozygotes.

Submissions (3):

Ambry Genetics
Classification: Uncertain significance for Inborn genetic diseases. Last evaluated: 2025-04-09. Review status: criteria provided, single submitter. Criteria: Ambry Variant Classification Scheme 2023. Collection method: clinical testing. Allele origin: germline.

Blueprint Genetics
Classification: Uncertain significance. Last evaluated: 2024-08-14. Review status: criteria provided, single submitter. Criteria: ACMG Guidelines, 2015. Collection method: clinical testing. Allele origin: germline.

Labcorp Genetics (formerly Invitae), Labcorp
Classification: Uncertain significance for Leukocyte adhesion deficiency 3. Last evaluated: 2024-05-17. Review status: criteria provided, single submitter. Criteria: Invitae Variant Classification Sherloc (09022015). Collection method: clinical testing. Allele origin: germline.
Comment: This sequence change replaces alanine, which is neutral and non-polar, with threonine, which is neutral and polar, at codon 109 of the FERMT3 protein (p.Ala109Thr). This variant is present in population databases (rs765368032, gnomAD 0.04%). This variant has not been reported in the literature in individuals affected with FERMT3-related conditions. ClinVar contains an entry for this variant (Variation ID: 942982). Advanced modeling of protein sequence and biophysical properties (such as structural, functional, and spatial information, amino acid conservation, physicochemical variation, residue mobility, and thermodynamic stability) performed at Invitae indicates that this missense variant is not expected to disrupt FERMT3 protein function with a negative predictive value of 80%. In summary, the available evidence is currently insufficient to determine the role of this variant in disease. Therefore, it has been classified as a Variant of Uncertain Significance.

NM_031471.6(FERMT3):c.325G>A (p.Ala109Thr)

Gene: FERMT3 (FERM domain containing kindlin 3; plus strand). Cytogenetic location: 11q13.1.
Variant type: single nucleotide variant.
Coding change: c.325G>A on transcript NM_031471.6 (MANE Select); coding-DNA position 325, G replaced by A.
Protein change: p.Ala109Thr; replaces alanine 109 with threonine.
Molecular consequence: missense variant. On other transcripts: 5 prime UTR variant (2).
Genome position (GRCh38, 1-based): chr11:64,210,775, G>A. VCF-style: chr11-64210775-G-A. GRCh37 (hg19) VCF-style: chr11-63978247-G-A.
Other names: c.325G>A, p.Ala109Thr (NM_001382361.1, NM_001382362.1, NM_001382448.1 and 1 more transcripts); c.-216G>A (NM_001382363.1, NM_001382364.1); short protein forms A109T.
Identifiers: ClinVar variation 942982 (VCV000942982.8), dbSNP rs765368032, ClinGen allele CA6068709.